The following is an entry in ClinVar:

ClinVar aggregate classification (germline): Benign (1 of 4 stars; one submission).

Allele frequency attached by ClinVar (database versions not stated): 1000 Genomes Project 0.17173; 1000 Genomes Project 30x 0.17552; TOPMed 0.22561; gnomAD 0.23228 and 0.23571.
gnomAD v4.1: 34,952 of 150,568 alleles (23%); highest among the groups gnomAD compares: Non-Finnish European, 28%; 4,230 homozygotes.

Submission:

GeneDx
Classification: Benign. Last evaluated: 2018-06-14. Review status: criteria provided, single submitter. Criteria: GeneDx Variant Classification (06012015). Collection method: clinical testing. Allele origin: germline. Affected: yes.
Comment: This variant is considered likely benign or benign based on one or more of the following criteria: it is a conservative change, it occurs at a poorly conserved position in the protein, it is predicted to be benign by multiple in silico algorithms, and/or has population frequency not consistent with disease.

NM_022041.4(GAN):c.1502+222G>A

Gene: GAN (gigaxonin; plus strand). Cytogenetic location: 16q23.2.
Variant type: single nucleotide variant.
Coding change: c.1502+222G>A on transcript NM_022041.4 (MANE Select); 222 bases into the intron after coding-DNA position 1502, G replaced by A.
Molecular consequence: intron variant.
Genome position (GRCh38, 1-based): chr16:81,365,700, G>A. VCF-style: chr16-81365700-G-A. GRCh37 (hg19) VCF-style: chr16-81399305-G-A.
Other names: c.863+222G>A (NM_001377486.1).
Identifiers: ClinVar variation 681715 (VCV000681715.1), dbSNP rs2615701, ClinGen allele CA16530184.